The following is an entry in ClinVar:

ClinVar aggregate classification (germline): Conflicting classifications of pathogenicity. Review status: criteria provided, conflicting classifications (1 of 4 stars). 11 submissions from 9 submitters: Uncertain significance (4); Likely benign (7). Last evaluated 2026-01-18.

Conditions:
Juvenile polyposis syndrome (JPS). Identifiers: Orphanet 2929, MedGen C0345893, MONDO:0017380, OMIM 174900.
Myhre syndrome (MYHRS). Also called: LARYNGOTRACHEAL STENOSIS, ARTHROPATHY, PROGNATHISM, AND SHORT STATURE; LAPS SYNDROME. Identifiers: Orphanet 2588, MedGen C0796081, MONDO:0007688, OMIM 139210.
Hereditary cancer-predisposing syndrome. Also called: Tumor predisposition; Hereditary Cancer Syndrome; Neoplastic Syndromes, Hereditary; Hereditary neoplastic syndrome. Identifiers: Orphanet 140162, MedGen C0027672, MeSH D009386, MONDO:0015356.
Generalized juvenile polyposis/juvenile polyposis coli. Also called: Juvenile polyposis coli. Identifiers: Orphanet 329971, MedGen C1868081, MONDO:0008276.
Juvenile polyposis/hereditary hemorrhagic telangiectasia syndrome (JPHT). Also called: Juvenile Polyposis Syndrome / Hereditary Hemorrhagic Telangiectasia (JPS/HHT); POLYPOSIS, GENERALIZED JUVENILE, WITH PULMONARY ARTERIOVENOUS MALFORMATION; TELANGIECTASIA, HEREDITARY HEMORRHAGIC, WITH JUVENILE POLYPOSIS COLI; JP/HHT SYNDROME; JUVENILE POLYPOSIS WITH HEREDITARY HEMORRHAGIC TELANGIECTASIA. Identifiers: Orphanet 2929, MedGen C1832942, MONDO:0008278, OMIM 175050.
Familial thoracic aortic aneurysm and aortic dissection (TAAD). Also called: Thoracic aortic aneurysms and dissections. Identifiers: Orphanet 91387, MedGen C4707243, MONDO:0019625.

Allele frequency attached by ClinVar (database versions not stated): gnomAD 0.00001 and 0.00002; TOPMed 0.00002.
gnomAD v4.1: 56 of 1,606,290 alleles (0.0035%); highest among the groups gnomAD compares: Non-Finnish European, 0.0043%; no homozygotes.

Submissions (11):

Labcorp Genetics (formerly Invitae), Labcorp
Classification: Likely benign for Juvenile polyposis syndrome. Last evaluated: 2026-01-18. Review status: criteria provided, single submitter. Criteria: Invitae Variant Classification Sherloc (09022015). Collection method: clinical testing. Allele origin: germline.

ARUP Laboratories, Molecular Genetics and Genomics, ARUP Laboratories
Classification: Uncertain significance. Last evaluated: 2025-07-08. Review status: criteria provided, single submitter. Criteria: ARUP Molecular Germline Variant Investigation Process 2024. Collection method: clinical testing. Allele origin: germline.
Comment: The SMAD4 c.667+3G>A variant (rs757971589, ClinVar Variation ID: 327111) is reported in the literature in an individual affected with breast cancer (Tung 2016). This variant is found in the general population with an overall allele frequency of 0.001% (4/282,088 alleles) in the Genome Aggregation Database (v2.1.1). This is an intronic variant and computational analyses (Alamut Visual Plus v.1.12) predict that this variant does not alter splicing. However, since this variant is located within the minimal splice region, the clinical significance of this variant is uncertain at this time. References: Tung N et al. Frequency of Germline Mutations in 25 Cancer Susceptibility Genes in a Sequential Series of Patients With Breast Cancer. J Clin Oncol. 2016 May 1;34(13):1460-8. PMID: 26976419.

Myriad Genetics, Inc.
Classification: Likely benign for Juvenile polyposis/hereditary hemorrhagic telangiectasia syndrome. Last evaluated: 2023-12-19. Review status: criteria provided, single submitter. Criteria: Myriad Autosomal Dominant, Autosomal Recessive and X-Linked Classification Criteria (2023). Collection method: clinical testing. Allele origin: unknown.
Comment: This variant is considered likely benign. This variant is intronic and is not expected to impact mRNA splicing.

All of Us Research Program, National Institutes of Health
Classification: Likely benign for Juvenile polyposis/hereditary hemorrhagic telangiectasia syndrome. Last evaluated: 2023-11-30. Review status: criteria provided, single submitter. Criteria: ACMG Guidelines, 2015. Collection method: clinical testing. Allele origin: germline. Inheritance: Autosomal dominant inheritance. Observed: 5 variant alleles, 5 heterozygotes.
Comment: This study involves interpretation of variants in research participants for the purpose of population health screening. Participant phenotype was not available at the time of variant classification. Additional details can be found in publication PMID: 35346344, PMCID: PMC8962531

CeGaT Center for Human Genetics Tuebingen
Classification: Likely benign. Last evaluated: 2023-09-01. Review status: criteria provided, single submitter. Criteria: CeGaT Center For Human Genetics Tuebingen Variant Classification Criteria Version 2. Collection method: clinical testing. Allele origin: germline. Affected: yes. Observed: 2 variant alleles.
Comment: SMAD4: BP4

Color Diagnostics, LLC DBA Color Health
Classification: Likely benign for Hereditary cancer-predisposing syndrome. Last evaluated: 2023-01-19. Review status: criteria provided, single submitter. Criteria: ACMG Guidelines, 2015. Collection method: clinical testing. Allele origin: germline.

GeneDx
Classification: Likely benign. Last evaluated: 2020-05-18. Review status: criteria provided, single submitter. Criteria: GeneDx Variant Classification Process June 2021. Collection method: clinical testing. Allele origin: germline. Affected: yes.
Comment: This variant is associated with the following publications: (PMID: 26976419)

Ambry Genetics
Classification: Likely benign for Hereditary cancer-predisposing syndrome; Familial thoracic aortic aneurysm and aortic dissection. Last evaluated: 2020-04-15. Review status: criteria provided, single submitter. Criteria: Ambry Variant Classification Scheme 2023. Collection method: clinical testing. Allele origin: germline.

Illumina Laboratory Services, Illumina
Classification: Uncertain significance for Juvenile polyposis/hereditary hemorrhagic telangiectasia syndrome. Last evaluated: 2018-01-13. Review status: criteria provided, single submitter. Criteria: ICSL Variant Classification Criteria 13 December 2019. Collection method: clinical testing. Allele origin: germline.

Illumina Laboratory Services, Illumina
Classification: Uncertain significance for Myhre syndrome. Last evaluated: 2018-01-13. Review status: criteria provided, single submitter. Criteria: ICSL Variant Classification Criteria 13 December 2019. Collection method: clinical testing. Allele origin: germline.

Illumina Laboratory Services, Illumina
Classification: Uncertain significance for Juvenile polyposis syndrome. Last evaluated: 2018-01-13. Review status: criteria provided, single submitter. Criteria: ICSL Variant Classification Criteria 13 December 2019. Collection method: clinical testing. Allele origin: germline.

NM_005359.6(SMAD4):c.667+3G>A

Gene: SMAD4 (SMAD family member 4; plus strand). Cytogenetic location: 18q21.2.
Variant type: single nucleotide variant.
Coding change: c.667+3G>A on transcript NM_005359.6 (MANE Select); 3 bases into the intron after coding-DNA position 667, G replaced by A.
Molecular consequence: intron variant.
Genome position (GRCh38, 1-based): chr18:51,054,996, G>A. VCF-style: chr18-51054996-G-A. GRCh37 (hg19) VCF-style: chr18-48581366-G-A.
Identifiers: ClinVar variation 327111 (VCV000327111.50), dbSNP rs757971589, ClinGen allele CA8965852.